The following is an entry in ClinVar:

ClinVar aggregate classification (germline): Uncertain significance (1 of 4 stars; one submission).

Conditions:
Congenital myasthenic syndrome 12 (CMS12). Also called: Myasthenia, congenital, 12, with tubular aggregates; MYASTHENIC SYNDROME, CONGENITAL, WITH TUBULAR AGGREGATES 1. Identifiers: Orphanet 353327, Orphanet 590, MedGen C3552335, MONDO:0012518, OMIM 610542.

Submission:

Labcorp Genetics (formerly Invitae), Labcorp
Classification: Uncertain significance for Congenital myasthenic syndrome 12. Last evaluated: 2024-02-24. Review status: criteria provided, single submitter. Criteria: Invitae Variant Classification Sherloc (09022015). Collection method: clinical testing. Allele origin: germline.
Comment: This sequence change replaces glycine, which is neutral and non-polar, with glutamic acid, which is acidic and polar, at codon 360 of the GFPT1 protein (p.Gly360Glu). This variant is not present in population databases (gnomAD no frequency). This variant has not been reported in the literature in individuals affected with GFPT1-related conditions. ClinVar contains an entry for this variant (Variation ID: 2135390). Advanced modeling of protein sequence and biophysical properties (such as structural, functional, and spatial information, amino acid conservation, physicochemical variation, residue mobility, and thermodynamic stability) performed at Invitae indicates that this missense variant is expected to disrupt GFPT1 protein function with a positive predictive value of 80%. In summary, the available evidence is currently insufficient to determine the role of this variant in disease. Therefore, it has been classified as a Variant of Uncertain Significance.

NM_001244710.2(GFPT1):c.1079G>A (p.Gly360Glu)

Gene: GFPT1 (glutamine--fructose-6-phosphate transaminase 1; minus strand). Cytogenetic location: 2p13.3.
Variant type: single nucleotide variant.
Coding change: c.1079G>A on transcript NM_001244710.2 (MANE Select); coding-DNA position 1079, G replaced by A.
Protein change: p.Gly360Glu; replaces glycine 360 with glutamic acid.
Molecular consequence: missense variant.
Genome position (GRCh38, 1-based): chr2:69,345,930, C>T on the plus strand (G>A on the coding strand, the complement: GFPT1 is on the minus strand). VCF-style: chr2-69345930-C-T. GRCh37 (hg19) VCF-style: chr2-69573062-C-T.
Other names: c.1025G>A, p.Gly342Glu (NM_002056.4); short protein forms G360E, G342E.
Identifiers: ClinVar variation 2135390 (VCV002135390.4), dbSNP rs2466069022, ClinGen allele CA347126333.